The following is an entry in ClinVar:

NM_020778.5(ALPK3):c.3867C>T (p.Ser1289=)

Gene: ALPK3 (alpha kinase 3; plus strand). Cytogenetic location: 15q25.3.
Variant type: single nucleotide variant.
Coding change: c.3867C>T on transcript NM_020778.5 (MANE Select); coding-DNA position 3867, C replaced by T.
Protein change: p.Ser1289=; no amino-acid change (serine 1289 retained).
Molecular consequence: synonymous variant.
Genome position (GRCh38, 1-based): chr15:84,859,292, C>T. VCF-style: chr15-84859292-C-T. GRCh37 (hg19) VCF-style: chr15-85402523-C-T.
Identifiers: ClinVar variation 389758 (VCV000389758.15), dbSNP rs188837127, ClinGen allele CA7709753.

ClinVar aggregate classification (germline): Benign/Likely benign. Review status: criteria provided, multiple submitters, no conflicts (2 of 4 stars). 8 submissions from 8 submitters: Benign (1); Likely benign (4). 3 of the submissions do not count toward it. Last evaluated 2026-02-25.

Conditions:
ALPK3-related disorder. Also called: ALPK3-related condition.
Cardiovascular phenotype. Identifiers: MedGen CN230736.

Allele frequency attached by ClinVar (database versions not stated): gnomAD 0.00001 and 0.00010; TOPMed 0.00003; ESP Exome Variant Server 0.00008; ExAC 0.00048; 1000 Genomes Project 0.00140; 1000 Genomes Project 30x 0.00187.
gnomAD v4.1: 271 of 1,614,146 alleles (0.017%); highest among the groups gnomAD compares: South Asian, 0.26%; 1 homozygote.

Submissions (8):

PreventionGenetics, part of Exact Sciences
Classification: Likely benign for ALPK3-related condition. Last evaluated: 2026-02-25. Review status: criteria provided, single submitter. Criteria: ACMG Guidelines, 2015. Collection method: clinical testing. Allele origin: germline.
Comment: This variant is classified as likely benign based on ACMG/AMP sequence variant interpretation guidelines (Richards et al. 2015 PMID: 25741868, with internal and published modifications).

Labcorp Genetics (formerly Invitae), Labcorp
Classification: Benign. Last evaluated: 2026-01-28. Review status: criteria provided, single submitter. Criteria: Invitae Variant Classification Sherloc (09022015). Collection method: clinical testing. Allele origin: germline.

Blueprint Genetics
Classification: Likely benign. Last evaluated: 2024-11-20. Review status: criteria provided, single submitter. Criteria: ACMG Guidelines, 2015. Collection method: clinical testing. Allele origin: germline.

Ambry Genetics
Classification: Likely benign for Cardiovascular phenotype. Last evaluated: 2019-09-15. Review status: criteria provided, single submitter. Criteria: Ambry Variant Classification Scheme 2023. Collection method: clinical testing. Allele origin: germline.

GeneDx
Classification: Likely benign. Last evaluated: 2016-10-07. Review status: criteria provided, single submitter. Criteria: GeneDx Variant Classification (06012015). Collection method: clinical testing. Allele origin: germline. Affected: yes.
Comment: This variant is considered likely benign or benign based on one or more of the following criteria: it is a conservative change, it occurs at a poorly conserved position in the protein, it is predicted to be benign by multiple in silico algorithms, and/or has population frequency not consistent with disease.

Clinical Genetics, Academic Medical Center
Classification: Benign. Review status: no assertion criteria provided. Collection method: clinical testing. Allele origin: germline. Affected: yes. Study: VKGL Data-share Consensus. Not counted in ClinVar's aggregate classification.

Diagnostic Laboratory, Department of Genetics, University Medical Center Groningen
Classification: Likely benign. Review status: no assertion criteria provided. Collection method: clinical testing. Allele origin: germline. Affected: yes. Study: VKGL Data-share Consensus. Not counted in ClinVar's aggregate classification.

Genome Diagnostics Laboratory, University Medical Center Utrecht
Classification: Likely benign. Review status: no assertion criteria provided. Collection method: clinical testing. Allele origin: germline. Affected: yes. Study: VKGL Data-share Consensus. Not counted in ClinVar's aggregate classification.